The following is an entry in ClinVar:

NM_014727.3(KMT2B):c.5321G>A (p.Cys1774Tyr)

Gene: KMT2B (lysine methyltransferase 2B; plus strand). Cytogenetic location: 19q13.12.
Variant type: single nucleotide variant.
Coding change: c.5321G>A on transcript NM_014727.3 (MANE Select); coding-DNA position 5321, G replaced by A.
Protein change: p.Cys1774Tyr; replaces cysteine 1774 with tyrosine.
Molecular consequence: missense variant.
Genome position (GRCh38, 1-based): chr19:35,730,751, G>A. VCF-style: chr19-35730751-G-A. GRCh37 (hg19) VCF-style: chr19-36221652-G-A.
Other names: short protein forms C1774Y.
Identifiers: ClinVar variation 4528204 (VCV004528204.1).

ClinVar aggregate classification (germline): Uncertain significance (1 of 4 stars; one submission).

Submission:

GeneDx
Classification: Uncertain significance. Last evaluated: 2025-05-09. Review status: criteria provided, single submitter. Criteria: GeneDx Variant Classification Process June 2021. Collection method: clinical testing. Allele origin: germline. Affected: yes.
Comment: Not observed at significant frequency in large population cohorts (gnomAD); In silico analysis supports that this missense variant has a deleterious effect on protein structure/function; Has not been previously published as pathogenic or benign to our knowledge